The following is an entry in ClinVar:

NM_001282225.2(ADA2):c.1306A>G (p.Met436Val)

Gene: ADA2 (adenosine deaminase 2; minus strand). Cytogenetic location: 22q11.1.
Variant type: single nucleotide variant.
Coding change: c.1306A>G on transcript NM_001282225.2 (MANE Select); coding-DNA position 1306, A replaced by G.
Protein change: p.Met436Val; replaces methionine 436 with valine.
Molecular consequence: missense variant.
Genome position (GRCh38, 1-based): chr22:17,181,956, T>C on the plus strand (A>G on the coding strand, the complement: ADA2 is on the minus strand). VCF-style: chr22-17181956-T-C. GRCh37 (hg19) VCF-style: chr22-17662846-T-C.
Other names: c.1306A>G, p.Met436Val (NM_001282226.2); c.1180A>G, p.Met394Val (NM_001282227.2, NM_001282228.2); c.946A>G, p.Met316Val (NM_001282229.2); c.583A>G, p.Met195Val (NM_177405.3); short protein forms M436V, M195V, M316V, M394V.
Identifiers: ClinVar variation 1510288 (VCV001510288.7), dbSNP rs763170250, ClinGen allele CA410231905.

ClinVar aggregate classification (germline): Uncertain significance. Review status: criteria provided, multiple submitters, no conflicts (2 of 4 stars). 2 submissions from 2 submitters: Uncertain significance (2). Last evaluated 2022-08-22.

Conditions:
Deficiency of adenosine deaminase 2. Also called: Polyarteritis nodosa, childhoood-onset; Adenosine Deaminase 2 Deficiency; VASCULITIS, AUTOINFLAMMATION, IMMUNODEFICIENCY, AND HEMATOLOGIC DEFECTS SYNDROME. Identifiers: Orphanet 404553, MedGen C3887654, MONDO:0014306, OMIM 615688, MONDO:0100317.
Sneddon syndrome (SNDNS). Also called: LIVEDO RETICULARIS AND CEREBROVASCULAR ACCIDENTS; Idiopathic livedo reticularis with systemic involvement. Identifiers: Orphanet 820, MedGen C0282492, MONDO:0008436, OMIM 182410.

Allele frequency attached by ClinVar (database versions not stated): gnomAD exomes below 0.00001.
gnomAD v4.1: 1 of 1,614,140 alleles (0.000062%); highest among the groups gnomAD compares: Admixed American, 0.0017%; no homozygotes.

Submissions (2):

Labcorp Genetics (formerly Invitae), Labcorp
Classification: Uncertain significance for Deficiency of adenosine deaminase 2. Last evaluated: 2022-08-22. Review status: criteria provided, single submitter. Criteria: Invitae Variant Classification Sherloc (09022015). Collection method: clinical testing. Allele origin: germline.
Comment: This variant has not been reported in the literature in individuals affected with ADA2-related conditions. This variant is not present in population databases (gnomAD no frequency). This sequence change replaces methionine, which is neutral and non-polar, with valine, which is neutral and non-polar, at codon 436 of the ADA2 protein (p.Met436Val). In summary, the available evidence is currently insufficient to determine the role of this variant in disease. Therefore, it has been classified as a Variant of Uncertain Significance. Algorithms developed to predict the effect of missense changes on protein structure and function (SIFT, PolyPhen-2, Align-GVGD) all suggest that this variant is likely to be tolerated. ClinVar contains an entry for this variant (Variation ID: 1510288).

Fulgent Genetics
Classification: Uncertain significance for Sneddon syndrome; Deficiency of adenosine deaminase 2. Last evaluated: 2021-12-01. Review status: criteria provided, single submitter. Criteria: ACMG Guidelines, 2015. Collection method: clinical testing. Allele origin: unknown.